The following is an entry in ClinVar:

NM_002241.5(KCNJ10):c.76C>T (p.Arg26Ter)

Gene: KCNJ10 (potassium inwardly rectifying channel subfamily J member 10; minus strand). Cytogenetic location: 1q23.2.
Variant type: single nucleotide variant.
Coding change: c.76C>T on transcript NM_002241.5 (MANE Select); coding-DNA position 76, C replaced by T.
Protein change: p.Arg26Ter; replaces arginine 26 with a stop codon.
Molecular consequence: nonsense.
Genome position (GRCh38, 1-based): chr1:160,042,457, G>A on the plus strand (C>T on the coding strand, the complement: KCNJ10 is on the minus strand). VCF-style: chr1-160042457-G-A. GRCh37 (hg19) VCF-style: chr1-160012247-G-A.
Other names: short protein forms R26*.
Identifiers: ClinVar variation 211218 (VCV000211218.28), dbSNP rs138943405, ClinGen allele CA207249.

ClinVar aggregate classification (germline): Conflicting classifications of pathogenicity. Review status: criteria provided, conflicting classifications (1 of 4 stars). 6 submissions from 6 submitters: Pathogenic (2); Likely pathogenic (3); Uncertain significance (1). Last evaluated 2025-06-12.

Conditions:
EAST syndrome (SESAMES). Also called: SEIZURES, SENSORINEURAL DEAFNESS, ATAXIA, IMPAIRED INTELLECTUAL DEVELOPMENT, AND ELECTROLYTE IMBALANCE. Identifiers: Orphanet 199343, MedGen C2748572, MONDO:0013005, OMIM 612780.
Inborn genetic diseases. Identifiers: MedGen C0950123, MeSH D030342.
Autosomal recessive nonsyndromic hearing loss 4 (DFNB4). Also called: NEUROSENSORY NONSYNDROMIC RECESSIVE DEAFNESS 4; Deafness, autosomal recessive 4, with enlarged vestibular aqueduct; Deafness, autosomal recessive 4; Enlarged vestibular aqueduct, digenic; FOXI1-Related Pendred Syndrome; KCNJ10-Related Pendred Syndrome. Identifiers: Orphanet 90636, MedGen C3538946, MONDO:0010933, OMIM 600791.
Pendred syndrome (PDS). Also called: HYPOTHYROIDISM, CONGENITAL, DUE TO DYSHORMONOGENESIS, 2B; Pendred's syndrome; DEAFNESS WITH GOITER; GOITER-DEAFNESS SYNDROME; Pendred Syndrome (PDS); THYROID DYSHORMONOGENESIS 2B. Identifiers: Orphanet 705, MedGen C0271829, MONDO:0010134, OMIM 274600.

Allele frequency attached by ClinVar (database versions not stated): ExAC 0.00001; gnomAD 0.00001; gnomAD exomes 0.00001 and 0.00002; TOPMed 0.00002; ESP Exome Variant Server 0.00008.

Submissions (6):

Labcorp Genetics (formerly Invitae), Labcorp
Classification: Pathogenic for EAST syndrome. Last evaluated: 2025-06-12. Review status: criteria provided, single submitter. Criteria: Invitae Variant Classification Sherloc (09022015). Collection method: clinical testing. Allele origin: germline.
Comment: This sequence change creates a premature translational stop signal (p.Arg26*) in the KCNJ10 gene. While this is not anticipated to result in nonsense mediated decay, it is expected to disrupt the last 354 amino acid(s) of the KCNJ10 protein. This variant is present in population databases (rs138943405, gnomAD 0.007%). This premature translational stop signal has been observed in individual(s) with SeSAME syndrome (PMID: 38374498). ClinVar contains an entry for this variant (Variation ID: 211218). This variant disrupts a region of the KCNJ10 protein in which other variant(s) (p.Arg199*) have been determined to be pathogenic (PMID: 19289823, 20651251, 20678478, 20807765, 21088294, 23924083). This suggests that this is a clinically significant region of the protein, and that variants that disrupt it are likely to be disease-causing. For these reasons, this variant has been classified as Pathogenic.

GeneDx
Classification: Likely pathogenic. Last evaluated: 2022-03-09. Review status: criteria provided, single submitter. Criteria: GeneDx Variant Classification Process June 2021. Collection method: clinical testing. Allele origin: germline. Affected: yes.
Comment: Nonsense variant in the C-terminus predicted to result in protein truncation, as the last 354 amino acids are lost, and other loss-of-function variants have been reported downstream in the Human Gene Mutation Database (HGMD); Has not been previously published as pathogenic or benign to our knowledge; Not observed at significant frequency in large population cohorts (gnomAD)

Fulgent Genetics
Classification: Likely pathogenic for Pendred syndrome; Autosomal recessive nonsyndromic hearing loss 4; EAST syndrome. Last evaluated: 2021-06-30. Review status: criteria provided, single submitter. Criteria: ACMG Guidelines, 2015. Collection method: clinical testing. Allele origin: unknown.
Comment: This variant has been detected in individual(s) who were sent for testing of Renasight - kidney gene panel.

Kasturba Medical College, Manipal, Kasturba Medical College, Manipal, Manipal Academy of Higher Education, Manipal, India
Classification: Pathogenic for EAST syndrome. Last evaluated: 2020-12-03. Review status: criteria provided, single submitter. Criteria: ACMG Guidelines, 2015. Collection method: clinical testing. Allele origin: inherited. Inheritance: Autosomal recessive inheritance. Affected: yes. Observed: 3 variant alleles.

Ambry Genetics
Classification: Uncertain significance for Inborn genetic diseases. Last evaluated: 2019-10-01. Review status: criteria provided, single submitter. Criteria: Ambry Variant Classification Scheme 2023. Collection method: clinical testing. Allele origin: germline.
Comment: The p.R26* variant (also known as c.76C>T), located in coding exon 1 of the KCNJ10 gene, results from a C to T substitution at nucleotide position 76. This changes the amino acid from an arginine to a stop codon within coding exon 1. Premature stop codons are typically deleterious in nature, however, this stop codon occurs in the N-terminus and is not expected to trigger nonsense-mediated mRNA decay. There is an alternate in-frame methionine 15 amino acids downstream of the stop codon at position p.M41, and the significance of the N-terminus for this protein is not well established. Since supporting evidence is limited at this time, the clinical significance of this alteration remains unclear.

Genetic Services Laboratory, University of Chicago
Classification: Likely pathogenic for SESAME syndrome. Last evaluated: 2015-03-02. Review status: criteria provided, single submitter. Criteria: ACMG Guidelines, 2015. Collection method: clinical testing. Allele origin: germline. Affected: yes.

Literature cited by the submitters: PubMed 38374498 (cited by Labcorp Genetics (formerly Invitae), Labcorp); PubMed 19289823 (cited by Labcorp Genetics (formerly Invitae), Labcorp); PubMed 20651251 (cited by Labcorp Genetics (formerly Invitae), Labcorp); PubMed 20678478 (cited by Labcorp Genetics (formerly Invitae), Labcorp); PubMed 20807765 (cited by Labcorp Genetics (formerly Invitae), Labcorp); PubMed 21088294 (cited by Labcorp Genetics (formerly Invitae), Labcorp); PubMed 23924083 (cited by Labcorp Genetics (formerly Invitae), Labcorp).